The following is an entry in ClinVar:

ClinVar aggregate classification (germline): Uncertain significance (1 of 4 stars; one submission).

gnomAD v4.1: 1 of 1,613,926 alleles (0.000062%); highest among the groups gnomAD compares: Non-Finnish European, 0.000085%; no homozygotes.

Submission:

Ambry Genetics
Classification: Uncertain significance. Last evaluated: 2026-04-06. Review status: criteria provided, single submitter. Criteria: Ambry Variant Classification Scheme 2023. Collection method: clinical testing. Allele origin: germline.
Comment: The p.Y125D variant (also known as c.373T>G), located in coding exon 4 of the SRP72 gene, results from a T to G substitution at nucleotide position 373. The tyrosine at codon 125 is replaced by aspartic acid, an amino acid with highly dissimilar properties. This amino acid position is conserved. In addition, this alteration is predicted to be deleterious by in silico analysis. Based on the available evidence, the clinical significance of this variant remains unclear.

NM_006947.4(SRP72):c.373T>G (p.Tyr125Asp)

Gene: SRP72 (signal recognition particle 72; plus strand). Cytogenetic location: 4q12.
Variant type: single nucleotide variant.
Coding change: c.373T>G on transcript NM_006947.4 (MANE Select); coding-DNA position 373, T replaced by G.
Protein change: p.Tyr125Asp; replaces tyrosine 125 with aspartic acid.
Molecular consequence: missense variant. On other transcripts: non-coding transcript variant (1).
Genome position (GRCh38, 1-based): chr4:56,474,072, T>G. VCF-style: chr4-56474072-T-G. GRCh37 (hg19) VCF-style: chr4-57340238-T-G.
Other names: c.373T>G, p.Tyr125Asp (NM_001267722.2); short protein forms Y125D.
Identifiers: ClinVar variation 4865122 (VCV004865122.1).
Genomic context (GRCh38, chr4:56,474,072, plus strand): 5'-CCATATTTGTCTCTGATTTTTTACTTGCTATTTATTATTCAGTTATACCGTTTGGAACGC[T>G]ATGATGAATGCTTAGCAGTGTATAGAGATCTCGTCCGAAACTCCCAAGATGATTATGATG-3'
Protein context (NP_008878.3, residues 115-135): YGQVLYRLER[Tyr125Asp]DECLAVYRDL